The following is an entry in ClinVar:

ClinVar aggregate classification (germline): Conflicting classifications of pathogenicity. Review status: criteria provided, conflicting classifications (1 of 4 stars). 2 submissions from 2 submitters: Uncertain significance (1); Likely benign (1). Last evaluated 2026-02-15.

Conditions:
Inborn genetic diseases. Identifiers: MedGen C0950123, MeSH D030342.
Brachyolmia-amelogenesis imperfecta syndrome. Also called: Tooth agenesis, selective, 6; Dental anomalies and short stature; PLATYSPONDYLY WITH AMELOGENESIS IMPERFECTA. Identifiers: Orphanet 2899, MedGen C1832594, MONDO:0011018, OMIM 601216. Disease mechanism: loss of function.

Allele frequency attached by ClinVar (database versions not stated): gnomAD exomes 0.00002 and 0.00001; gnomAD 0.00001; TOPMed 0.00001; ExAC 0.00002.
gnomAD v4.1: 19 of 1,605,618 alleles (0.0012%); highest among the groups gnomAD compares: Admixed American, 0.0034%; no homozygotes.

Submissions (2):

Ambry Genetics
Classification: Likely benign for Inborn genetic diseases. Last evaluated: 2026-02-15. Review status: criteria provided, single submitter. Criteria: Ambry Variant Classification Scheme 2023. Collection method: clinical testing. Allele origin: germline.

Labcorp Genetics (formerly Invitae), Labcorp
Classification: Uncertain significance for Brachyolmia-amelogenesis imperfecta syndrome. Last evaluated: 2024-10-14. Review status: criteria provided, single submitter. Criteria: Invitae Variant Classification Sherloc (09022015). Collection method: clinical testing. Allele origin: germline.
Comment: This sequence change affects codon 659 of the LTBP3 mRNA. It is a 'silent' change, meaning that it does not change the encoded amino acid sequence of the LTBP3 protein. It affects a nucleotide within the consensus splice site. This variant is present in population databases (rs755306051, gnomAD 0.009%). This variant has not been reported in the literature in individuals affected with LTBP3-related conditions. ClinVar contains an entry for this variant (Variation ID: 1481898). Algorithms developed to predict the effect of sequence changes on RNA splicing suggest that this variant is not likely to affect RNA splicing. In summary, the available evidence is currently insufficient to determine the role of this variant in disease. Therefore, it has been classified as a Variant of Uncertain Significance.

NM_001130144.3(LTBP3):c.1977G>T (p.Val659=)

Genes: LTBP3 (latent transforming growth factor beta binding protein 3; minus strand), LOC130006032 (ATAC-STARR-seq lymphoblastoid silent region 3535; plus strand). Cytogenetic location: 11q13.1.
Variant type: single nucleotide variant.
Coding change: c.1977G>T on transcript NM_001130144.3 (MANE Select); coding-DNA position 1977, G replaced by T.
Protein change: p.Val659=; no amino-acid change (valine 659 retained).
Molecular consequence: synonymous variant.
Genome position (GRCh38, 1-based): chr11:65,547,691, C>A on the plus strand (G>T on the coding strand, the complement: LTBP3 is on the minus strand). VCF-style: chr11-65547691-C-A. GRCh37 (hg19) VCF-style: chr11-65315162-C-A.
Other names: c.1626G>T, p.Val542= (NM_001164266.1); c.1977G>T, p.Val659= (NM_021070.4); c.1977G>T (NM_001130144.2).
Identifiers: ClinVar variation 1481898 (VCV001481898.8), dbSNP rs755306051, ClinGen allele CA6100788.
Genomic context (GRCh38, chr11:65,547,691, plus strand): 5'-CGGCGGTCTGGAGGAGAGCCCGTCCCACCCAGGGCCGCCTCCGCCCTGGCGGCGCTCACC[C>A]ACGCACGAGCGCCCCCCGGCGCCCACGTGCAGGCGGTAGCCGCGGTTGCAGTGGCAATTG-3'
Protein context (NP_001123616.1, residues 649-669): LHVGAGGRSC[Val659=]DLNECAKPHL